The following is an entry in ClinVar:

NM_001232.4(CASQ2):c.606+1G>T

Gene: CASQ2 (calsequestrin 2; minus strand). Cytogenetic location: 1p13.1.
Variant type: single nucleotide variant.
Coding change: c.606+1G>T on transcript NM_001232.4 (MANE Select); the canonical splice donor site of the intron after coding-DNA position 606, G replaced by T.
Molecular consequence: splice donor variant.
Genome position (GRCh38, 1-based): chr1:115,732,900, C>A on the plus strand (G>T on the coding strand, the complement: CASQ2 is on the minus strand). VCF-style: chr1-115732900-C-A. GRCh37 (hg19) VCF-style: chr1-116275521-C-A.
Identifiers: ClinVar variation 3485292 (VCV003485292.2).

ClinVar aggregate classification (germline): Likely pathogenic (1 of 4 stars; one submission).

Conditions:
Cardiovascular phenotype. Identifiers: MedGen CN230736.

gnomAD v4.1: 2 of 1,609,500 alleles (0.00012%); highest among the groups gnomAD compares: Admixed American, 0.0017%; no homozygotes.

Submission:

Ambry Genetics
Classification: Likely pathogenic for Cardiovascular phenotype. Last evaluated: 2024-09-15. Review status: criteria provided, single submitter. Criteria: Ambry Variant Classification Scheme 2023. Collection method: clinical testing. Allele origin: germline.
Comment: The c.606+1G>T intronic variant results from a G to T substitution one nucleotide after coding exon 5 of the CASQ2 gene. This variant is considered to be rare based on population cohorts in the Genome Aggregation Database (gnomAD). This nucleotide position is highly conserved in available vertebrate species. In silico splice site analysis predicts that this alteration will weaken the native splice donor site. Alterations that disrupt the canonical splice site are expected to cause aberrant splicing, resulting in an abnormal protein or a transcript that is subject to nonsense-mediated mRNA decay. As such, this alteration is classified as likely pathogenic.